The following is an entry in ClinVar:

ClinVar aggregate classification (germline): Pathogenic. Review status: criteria provided, multiple submitters, no conflicts (2 of 4 stars). 2 submissions from 2 submitters: Pathogenic (2). Last evaluated 2024-08-04.

Conditions:
Duchenne muscular dystrophy (DMD). Also called: MUSCULAR DYSTROPHY, PSEUDOHYPERTROPHIC PROGRESSIVE, DUCHENNE TYPE; Duchenne Muscular Dystrophy (DMD). Identifiers: Orphanet 98896, MedGen C0013264, MONDO:0010679, OMIM 310200.

Submissions (2):

Kariminejad - Najmabadi Pathology & Genetics Center
Classification: Pathogenic for Duchenne muscular dystrophy. Last evaluated: 2024-08-04. Review status: criteria provided, single submitter. Criteria: ACMG Guidelines, 2015. Collection method: clinical testing. Allele origin: germline. Inheritance: X-linked inheritance. Affected: yes.
Comment: (PVS1,PM2,PP5)

Revvity Omics, Revvity
Classification: Pathogenic. Last evaluated: 2021-01-12. Review status: criteria provided, single submitter. Criteria: ACMG Guidelines, 2015. Collection method: clinical testing. Allele origin: germline.

NM_004006.3(DMD):c.4697del (p.Leu1566fs)

Gene: DMD (dystrophin; minus strand). Cytogenetic location: Xp21.1.
Variant type: Deletion.
Coding change: c.4697del on transcript NM_004006.3 (MANE Select); coding-DNA position 4697, one base deleted (T; older notation c.4697delT).
Protein change: p.Leu1566fs; shifts the reading frame from leucine 1566.
Molecular consequence: frameshift variant.
Genome position (GRCh38, 1-based): chrX:32,380,658, A deleted on the plus strand (T on the coding strand, the reverse complement: DMD is on the minus strand); the first of 2 consecutive A bases (chrX:32,380,658-32,380,659); deleting either gives the same sequence. VCF-style (leftmost placement, unchanged base first): chrX-32380657-CA-C. GRCh37 (hg19) VCF-style: chrX-32398774-CA-C.
Other names: c.4673del, p.Leu1558fs (NM_000109.4); c.4685del, p.Leu1562fs (NM_004009.3); c.4328del, p.Leu1443fs (NM_004010.3); c.674del, p.Leu225fs (NM_004011.4); c.665del, p.Leu222fs (NM_004012.4); short protein forms L1443fs, L1558fs, L1562fs, L1566fs, L222fs, L225fs.
Identifiers: ClinVar variation 1322540 (VCV001322540.5), dbSNP rs2147472674, ClinGen allele CA2573055276.
Genomic context (GRCh38, chrX:32,380,657, plus strand): 5'-CCATTCTGTCAAGACATTCATTTCCTTTCGCATCTTACGGGACAATTTCAAGCATTTCTC[CA>C]ACTGTTGCTTTCTTTCTGTTACCTGAAAAGAATTATAATGAAATGTAATTTAGTTTACTC-3'